The following is an entry in ClinVar:

NM_001009944.3(PKD1):c.7708T>C (p.Leu2570=)

Gene: PKD1 (polycystin 1, transient receptor potential channel interacting; minus strand). Cytogenetic location: 16p13.3.
Variant type: single nucleotide variant.
Coding change: c.7708T>C on transcript NM_001009944.3 (MANE Select); coding-DNA position 7708, T replaced by C.
Protein change: p.Leu2570=; no amino-acid change (leucine 2570 retained).
Molecular consequence: synonymous variant.
Genome position (GRCh38, 1-based): chr16:2,106,020, A>G on the plus strand (T>C on the coding strand, the complement: PKD1 is on the minus strand). VCF-style: chr16-2106020-A-G. GRCh37 (hg19) VCF-style: chr16-2156021-A-G.
Other names: p.Leu2570=; c.7708T>C, p.Leu2570= (NM_000296.4).
Identifiers: ClinVar variation 257004 (VCV000257004.19), dbSNP rs28575767, ClinGen allele CA7830948.

ClinVar aggregate classification (germline): Benign. Review status: criteria provided, multiple submitters, no conflicts (2 of 4 stars). 9 submissions from 9 submitters: Benign (8). 1 of the submissions does not count toward it. Last evaluated 2025-03-27.

Conditions:
Autosomal dominant polycystic kidney disease. Identifiers: Orphanet 730, MedGen C0085413, MONDO:0004691.
Polycystic kidney disease, adult type (PKD1). Also called: Polycystic Kidney, Autosomal Dominant; Polycystic Kidney Disease 1, Autosomal Dominant; Polycystic kidney disease 1; Polycystic kidney disease 1, severe; POLYCYSTIC KIDNEY DISEASE 1 WITH OR WITHOUT POLYCYSTIC LIVER DISEASE; POLYCYSTIC KIDNEY DISEASE, ADULT, TYPE I. Identifiers: MedGen C3149841, MONDO:0008263, OMIM 173900.
Polycystic kidney disease. Also called: Polycystic kidney dysplasia; Kidney, Polycystic. Identifiers: MedGen C0022680, MeSH D007690, MONDO:0020642, HP:0000113.

Allele frequency attached by ClinVar (database versions not stated): 1000 Genomes Project 0.17772; gnomAD 0.18662; 1000 Genomes Project 30x 0.19160; TOPMed 0.20374.
gnomAD v4.1: 146,473 of 1,549,208 alleles (9.5%); highest among the groups gnomAD compares: African/African-American, 46%; 13,182 homozygotes.

Submissions (9):

Women's Health and Genetics/Laboratory Corporation of America, LabCorp
Classification: Benign. Last evaluated: 2025-03-27. Review status: criteria provided, single submitter. Criteria: LabCorp Variant Classification Summary - May 2015. Collection method: clinical testing. Allele origin: germline.

Blueprint Genetics
Classification: Benign. Last evaluated: 2024-11-27. Review status: criteria provided, single submitter. Criteria: ACMG Guidelines, 2015. Collection method: clinical testing. Allele origin: germline.

Mayo Clinic Laboratories, Mayo Clinic
Classification: Benign. Last evaluated: 2022-04-26. Review status: criteria provided, single submitter. Criteria: ACMG Guidelines, 2015. Collection method: clinical testing. Allele origin: germline. Observed: 226 variant alleles.

ARUP Laboratories, Molecular Genetics and Genomics, ARUP Laboratories
Classification: Benign for Polycystic kidney disease, adult type. Last evaluated: 2020-07-07. Review status: criteria provided, single submitter. Criteria: ARUP Molecular Germline Variant Investigation Process. Collection method: clinical testing. Allele origin: germline.

GeneDx
Classification: Benign. Last evaluated: 2019-12-30. Review status: criteria provided, single submitter. Criteria: GeneDx Variant Classification Process June 2021. Collection method: clinical testing. Allele origin: germline. Affected: yes.
Comment: This variant is associated with the following publications: (PMID: 10577909, 15772804, 18837007)

Molecular Genetics of Inherited Kidney Disorders Laboratory, Garvan Institute of Medical Research
Classification: Benign for Autosomal dominant polycystic kidney disease. Last evaluated: 2019-01-01. Review status: criteria provided, single submitter. Criteria: ACMG Guidelines, 2015. Collection method: research. Allele origin: germline. Affected: yes.

Breakthrough Genomics
Classification: Benign. Review status: criteria provided, single submitter. Criteria: ACMG Guidelines, 2015. Collection method: not provided. Allele origin: germline. Inheritance: Autosomal dominant inheritance. Affected: yes.

PreventionGenetics, part of Exact Sciences
Classification: Benign. Review status: criteria provided, single submitter. Criteria: ACMG Guidelines, 2015. Collection method: clinical testing. Allele origin: germline.

Department of Pathology and Laboratory Medicine, Sinai Health System
Classification: Benign for Polycystic Kidney disease. Review status: no assertion criteria provided. Collection method: clinical testing. Allele origin: unknown. Affected: yes. Study: The Canadian Open Genetics Repository (COGR). Not counted in ClinVar's aggregate classification.
Comment: The c.7708T>C, pp.Leu2570Leu variant was identified in 9.78% of 10800 control alleles in the Exome Aggregation Consortium (March 14, 2016). According to ACMG guidelines for variant classification based on allele frequency, category BA1, this variant is considered benign and has not been further reviewed (Richards 2015).